The following is an entry in ClinVar:

NM_205836.3(FBXO38):c.2332T>A (p.Cys778Ser)

Gene: FBXO38 (F-box protein 38; plus strand). Cytogenetic location: 5q32.
Variant type: single nucleotide variant.
Coding change: c.2332T>A on transcript NM_205836.3 (MANE Select); coding-DNA position 2332, T replaced by A.
Protein change: p.Cys778Ser; replaces cysteine 778 with serine.
Molecular consequence: missense variant. On other transcripts: intron variant (1).
Genome position (GRCh38, 1-based): chr5:148,427,626, T>A. VCF-style: chr5-148427626-T-A. GRCh37 (hg19) VCF-style: chr5-147807189-T-A.
Other names: c.2332T>A, p.Cys778Ser (NM_030793.5); c.1918+1925T>A (NM_001271723.2); short protein forms C778S.
Identifiers: ClinVar variation 854686 (VCV000854686.8), dbSNP rs770230868, ClinGen allele CA3497494.

ClinVar aggregate classification (germline): Uncertain significance (1 of 4 stars; one submission).

Conditions:
Distal hereditary motor neuropathy type 2. Identifiers: Orphanet 139525, MedGen C3711384, MeSH C580044, MONDO:0015352.

Allele frequency attached by ClinVar (database versions not stated): gnomAD exomes 0.00004; TOPMed 0.00006.
gnomAD v4.1: 17 of 1,614,090 alleles (0.0011%); highest among the groups gnomAD compares: East Asian, 0.038%; no homozygotes.

Submission:

Labcorp Genetics (formerly Invitae), Labcorp
Classification: Uncertain significance for Distal hereditary motor neuropathy type 2. Last evaluated: 2024-06-10. Review status: criteria provided, single submitter. Criteria: Invitae Variant Classification Sherloc (09022015). Collection method: clinical testing. Allele origin: germline.
Comment: This sequence change replaces cysteine, which is neutral and slightly polar, with serine, which is neutral and polar, at codon 778 of the FBXO38 protein (p.Cys778Ser). This variant is present in population databases (rs770230868, gnomAD 0.06%). This variant has not been reported in the literature in individuals affected with FBXO38-related conditions. ClinVar contains an entry for this variant (Variation ID: 854686). Advanced modeling of protein sequence and biophysical properties (such as structural, functional, and spatial information, amino acid conservation, physicochemical variation, residue mobility, and thermodynamic stability) performed at Invitae indicates that this missense variant is not expected to disrupt FBXO38 protein function with a negative predictive value of 80%. In summary, the available evidence is currently insufficient to determine the role of this variant in disease. Therefore, it has been classified as a Variant of Uncertain Significance.